The following is an entry in ClinVar:

ClinVar aggregate classification (germline): Likely pathogenic. Review status: criteria provided, single submitter (1 of 4 stars). 2 submissions from 1 submitter: Likely pathogenic (2). Last evaluated 2022-01-05.

Conditions:
Autosomal recessive limb-girdle muscular dystrophy type 2J (LGMDR10). Also called: Limb-girdle muscular dystrophy, type 2J; MUSCULAR DYSTROPHY, LIMB-GIRDLE, AUTOSOMAL RECESSIVE 10. Identifiers: Orphanet 140922, MedGen C1837342, MONDO:0012127, OMIM 608807.
Dilated cardiomyopathy 1G (CMD1G). Identifiers: Orphanet 154, MedGen C1858763, MONDO:0011400, OMIM 604145.

Submissions (2):

Labcorp Genetics (formerly Invitae), Labcorp
Classification: Likely pathogenic for Dilated cardiomyopathy 1G; Autosomal recessive limb-girdle muscular dystrophy type 2J. Last evaluated: 2022-01-05. Review status: criteria provided, single submitter. Criteria: Invitae Variant Classification Sherloc (09022015). Collection method: clinical testing. Allele origin: germline.
Comment: In summary, the currently available evidence indicates that the variant is pathogenic, but additional data are needed to prove that conclusively. Therefore, this variant has been classified as Likely Pathogenic. This variant is located in the A band of TTN (PMID: 25589632). Truncating variants in this region are significantly overrepresented in patients affected with dilated cardiomyopathy (PMID: 25589632). Truncating variants in this region have also been reported in individuals affected with autosomal recessive centronuclear myopathy (PMID: 23975875). This variant is not present in population databases (gnomAD no frequency). This sequence change creates a premature translational stop signal (p.Leu17080Asnfs*23) in the TTN gene. While this is not anticipated to result in nonsense mediated decay, it is expected to create a truncated TTN protein. This variant has not been reported in the literature in individuals affected with TTN-related conditions. ClinVar contains an entry for this variant (Variation ID: 466634).

Labcorp Genetics (formerly Invitae), Labcorp
Classification: Likely pathogenic for Dilated cardiomyopathy 1G. Last evaluated: 2017-03-21. Review status: criteria provided, single submitter. Criteria: Invitae Variant Classification Sherloc (09022015). Collection method: clinical testing. Allele origin: germline.
Comment: This sequence change inserts 4 nucleotides in exon 271 of the TTN mRNA (c.51234_51237dupAATT), causing a frameshift at codon 17080. This creates a premature translational stop signal (p.Leu17080Asnfs*23) and is expected to result in a disrupted protein product. This variant is found in the A-band of this gene. While this particular variant has not been reported in the literature, truncating variants in the A-band of TTN are significantly overrepresented in patients with dilated cardiomyopathy and are considered to be likely pathogenic for the disease (PMID: 25589632). For these reasons, this variant has been classified as Likely Pathogenic.

Literature cited by the submitters: PubMed 25589632; PubMed 23975875.

NM_001267550.2(TTN):c.51234_51237dup (p.Leu17080fs)

Genes: TTN (titin; minus strand), TTN-AS1 (TTN antisense RNA 1; plus strand). Cytogenetic location: 2q31.2.
Variant type: Duplication.
Coding change: c.51234_51237dup on transcript NM_001267550.2 (MANE Select); coding-DNA positions 51234 to 51237, 4 bases duplicated (AATT; older notation c.51234_51237dupAATT).
Protein change: p.Leu17080fs; shifts the reading frame from leucine 17080.
Molecular consequence: frameshift variant.
Genome position (GRCh38, 1-based): chr2:178,610,289-178,610,292, AATT duplicated on the plus strand (AATT on the coding strand, the reverse complement: TTN is on the minus strand). VCF-style (leftmost placement, unchanged base first): chr2-178610288-G-GAATT. GRCh37 (hg19) VCF-style: chr2-179475015-G-GAATT.
Other names: c.24414_24417dup, p.Leu8140fs (NM_133432.3); c.24615_24618dup, p.Leu8207fs (NM_133437.4); c.46311_46314dup, p.Leu15439fs (NM_001256850.1); c.24039_24042dup, p.Leu8015fs (NM_003319.4); c.43530_43533dup, p.Leu14512fs (NM_133378.4); c.51234_51237dupAATT (NM_001267550.2); short protein forms L15439fs, L8015fs, L8140fs, L8207fs, L14512fs, L17080fs.
Identifiers: ClinVar variation 466634 (VCV000466634.10), dbSNP rs1553693444, ClinGen allele CA658657158.
Genomic context (GRCh38, chr2:178,610,288, plus strand): 5'-CAGACATGACTGGTATATATGTTCTCCTCCCAGCTTCTCTGCGCTCCAGGACATAATGAA[G>GAATT]AATTGGGGTTCCACCATCAAATTCTGGAGGTTCCCAAGTTAACTTACAAGAACTCTTGGT-3'